The following is an entry in ClinVar:

ClinVar aggregate classification (germline): Uncertain significance. Review status: criteria provided, multiple submitters, no conflicts (2 of 4 stars). 4 submissions from 4 submitters: Uncertain significance (3). 1 of the submissions does not count toward it. Last evaluated 2025-08-08.

Conditions:
Nephronophthisis 14 (NPHP14). Identifiers: Orphanet 2318, MedGen C3539071, MONDO:0013916, OMIM 614844.

Allele frequency attached by ClinVar (database versions not stated): gnomAD 0.00001; TOPMed 0.00001; ESP Exome Variant Server 0.00008; 1000 Genomes Project 30x 0.00016; 1000 Genomes Project 0.00020.
gnomAD v4.1: 53 of 1,614,118 alleles (0.0033%); highest among the groups gnomAD compares: South Asian, 0.014%; no homozygotes.

Submissions (4):

Ambry Genetics
Classification: Uncertain significance. Last evaluated: 2025-08-08. Review status: criteria provided, single submitter. Criteria: Ambry Variant Classification Scheme 2023. Collection method: clinical testing. Allele origin: germline.

Blueprint Genetics
Classification: Uncertain significance. Last evaluated: 2024-03-15. Review status: criteria provided, single submitter. Criteria: ACMG Guidelines, 2015. Collection method: clinical testing. Allele origin: germline.

Labcorp Genetics (formerly Invitae), Labcorp
Classification: Uncertain significance for Nephronophthisis 14. Last evaluated: 2022-08-31. Review status: criteria provided, single submitter. Criteria: Invitae Variant Classification Sherloc (09022015). Collection method: clinical testing. Allele origin: germline.
Comment: This sequence change replaces valine, which is neutral and non-polar, with methionine, which is neutral and non-polar, at codon 424 of the ZNF423 protein (p.Val424Met). This variant is present in population databases (rs375353056, gnomAD 0.03%). This variant has not been reported in the literature in individuals affected with ZNF423-related conditions. ClinVar contains an entry for this variant (Variation ID: 1048870). Algorithms developed to predict the effect of missense changes on protein structure and function are either unavailable or do not agree on the potential impact of this missense change (SIFT: "Tolerated"; PolyPhen-2: "Probably Damaging"; Align-GVGD: "Class C0"). In summary, the available evidence is currently insufficient to determine the role of this variant in disease. Therefore, it has been classified as a Variant of Uncertain Significance.

Department of Pathology and Laboratory Medicine, Sinai Health System
Classification: Uncertain significance. Review status: no assertion criteria provided. Collection method: clinical testing. Allele origin: unknown. Affected: yes. Study: The Canadian Open Genetics Repository (COGR). Not counted in ClinVar's aggregate classification.
Comment: The ZNF423 p.Val307Met variant was not identified in the literature nor was it identified in ClinVar or Cosmic. The variant was identified in dbSNP (ID: rs375353056), LOVD 3.0 and in control databases in 18 of 251362 chromosomes at a frequency of 0.000072 (Genome Aggregation Database Feb 27, 2017). The variant was observed in the following populations: South Asian in 9 of 30616 chromosomes (freq: 0.000294), Other in 1 of 6132 chromosomes (freq: 0.000163), Latino in 5 of 34590 chromosomes (freq: 0.000145), European (Finnish) in 1 of 21640 chromosomes (freq: 0.000046) and European (non-Finnish) in 2 of 113662 chromosomes (freq: 0.000018); it was not observed in the African, Ashkenazi Jewish, and East Asian populations. The p.Val307 residue is conserved in mammals but not in more distantly related organisms and computational analyses (PolyPhen-2, SIFT, AlignGVGD, BLOSUM, MutationTaster) provide inconsistent predictions regarding the impact to the protein; this information is not very predictive of pathogenicity. The variant occurs outside of the splicing consensus sequence and in silico or computational prediction software programs (SpliceSiteFinder, MaxEntScan, NNSPLICE, GeneSplicer) do not predict a difference in splicing. In summary, based on the above information the clinical significance of this variant cannot be determined with certainty at this time. This variant is classified as a variant of uncertain significance.

NM_001379286.1(ZNF423):c.1294G>A (p.Val432Met)

Gene: ZNF423 (zinc finger protein 423; minus strand). Cytogenetic location: 16q12.1.
Variant type: single nucleotide variant.
Coding change: c.1294G>A on transcript NM_001379286.1 (MANE Select); coding-DNA position 1294, G replaced by A.
Protein change: p.Val432Met; replaces valine 432 with methionine.
Molecular consequence: missense variant.
Genome position (GRCh38, 1-based): chr16:49,637,882, C>T on the plus strand (G>A on the coding strand, the complement: ZNF423 is on the minus strand). VCF-style: chr16-49637882-C-T. GRCh37 (hg19) VCF-style: chr16-49671793-C-T.
Other names: c.1090G>A, p.Val364Met (NM_001271620.2); c.919G>A, p.Val307Met (NM_001330533.2); c.1270G>A, p.Val424Met (NM_015069.5); c.1270G>A (NM_015069.2); short protein forms V307M, V364M, V424M, V432M.
Identifiers: ClinVar variation 1048870 (VCV001048870.8), dbSNP rs375353056, ClinGen allele CA8046708.